The following is an entry in ClinVar:

ClinVar aggregate classification (germline): Pathogenic (1 of 4 stars; one submission).

Conditions:
Tuberous sclerosis 2 (TSC2). Identifiers: Orphanet 805, MedGen C1860707, MONDO:0013199, OMIM 613254.

Submission:

Labcorp Genetics (formerly Invitae), Labcorp
Classification: Pathogenic for Tuberous sclerosis 2. Last evaluated: 2019-01-01. Review status: criteria provided, single submitter. Criteria: Invitae Variant Classification Sherloc (09022015). Collection method: clinical testing. Allele origin: germline.
Comment: For these reasons, this variant has been classified as Pathogenic. Loss-of-function variants in TSC2 are known to be pathogenic (PMID: 10205261, 17304050). This variant has not been reported in the literature in individuals with TSC2-related conditions. This variant is not present in population databases (ExAC no frequency). This sequence change creates a premature translational stop signal (p.Leu1624Lysfs*5) in the TSC2 gene. It is expected to result in an absent or disrupted protein product.

Literature cited by the submitters: PubMed 10205261; PubMed 17304050.

NM_000548.5(TSC2):c.4869_4870insAAGGCATCGTC (p.Leu1624fs)

Gene: TSC2 (TSC complex subunit 2; plus strand). Cytogenetic location: 16p13.3.
Variant type: Insertion.
Coding change: c.4869_4870insAAGGCATCGTC on transcript NM_000548.5 (MANE Select); coding-DNA positions 4869 to 4870, AAGGCATCGTC inserted.
Protein change: p.Leu1624fs; shifts the reading frame from leucine 1624.
Molecular consequence: frameshift variant.
Genome position: GRCh38 VCF-style: chr16-2086750-C-CCAAGGCATCGT. GRCh37 (hg19) VCF-style: chr16-2136751-C-CCAAGGCATCGT.
Other names: c.4560_4561insAAGGCATCGTC, p.Leu1521fs (NM_001318827.2); c.4524_4525insAAGGCATCGTC, p.Leu1509fs (NM_001318829.2); c.4137_4138insAAGGCATCGTC, p.Leu1380fs (NM_001318831.2); c.4701_4702insAAGGCATCGTC, p.Leu1568fs (NM_001318832.2); c.4671_4672insAAGGCATCGTC, p.Leu1558fs (NM_001363528.2); c.4737_4738insAAGGCATCGTC, p.Leu1580fs (NM_001370404.1); c.4740_4741insAAGGCATCGTC, p.Leu1581fs (NM_001370405.1, NM_021055.3); c.4668_4669insAAGGCATCGTC, p.Leu1557fs (NM_001077183.3); and 1 more; short protein forms L1521fs, L1558fs, L1581fs, L1624fs, L1380fs, L1509fs, L1557fs, L1568fs.
Identifiers: ClinVar variation 851402 (VCV000851402.7), dbSNP rs2090851576, ClinGen allele CA916081793.